The following is an entry in ClinVar:

ClinVar aggregate classification (germline): Likely benign. Review status: criteria provided, single submitter (1 of 4 stars). 2 submissions from 2 submitters: Likely benign (1). 1 of the submissions does not count toward it. Last evaluated 2025-03-27.

Conditions:
PLCE1-related disorder. Also called: PLCE1-related condition.

Allele frequency attached by ClinVar (database versions not stated): 1000 Genomes Project 0.00020; 1000 Genomes Project 30x 0.00047; ExAC 0.00046; TOPMed 0.00004; gnomAD 0.00012; gnomAD exomes 0.00022.
gnomAD v4.1: 340 of 1,614,088 alleles (0.021%); highest among the groups gnomAD compares: South Asian, 0.34%; 2 homozygotes.

Submissions (2):

Labcorp Genetics (formerly Invitae), Labcorp
Classification: Likely benign. Last evaluated: 2025-03-27. Review status: criteria provided, single submitter. Criteria: Invitae Variant Classification Sherloc (09022015). Collection method: clinical testing. Allele origin: germline.

PreventionGenetics, part of Exact Sciences
Classification: Likely benign for PLCE1-related condition. Last evaluated: 2021-07-14. Review status: no assertion criteria provided. Collection method: clinical testing. Allele origin: germline. Not counted in ClinVar's aggregate classification.
Comment: This variant is classified as likely benign based on ACMG/AMP sequence variant interpretation guidelines (Richards et al. 2015 PMID: 25741868, with internal and published modifications).

NM_016341.4(PLCE1):c.3565A>G (p.Ser1189Gly)

Gene: PLCE1 (phospholipase C epsilon 1; plus strand). Cytogenetic location: 10q23.33.
Variant type: single nucleotide variant.
Coding change: c.3565A>G on transcript NM_016341.4 (MANE Select); coding-DNA position 3565, A replaced by G.
Protein change: p.Ser1189Gly; replaces serine 1189 with glycine.
Molecular consequence: missense variant.
Genome position (GRCh38, 1-based): chr10:94,258,810, A>G. VCF-style: chr10-94258810-A-G. GRCh37 (hg19) VCF-style: chr10-96018567-A-G.
Other names: c.2641A>G, p.Ser881Gly (NM_001165979.2); c.3517A>G, p.Ser1173Gly (NM_001288989.2); short protein forms S1173G, S1189G, S881G.
Identifiers: ClinVar variation 3054897 (VCV003054897.4), dbSNP rs200141684, ClinGen allele CA5612926.